The following is an entry in ClinVar:

ClinVar aggregate classification (germline): Pathogenic. Review status: criteria provided, multiple submitters, no conflicts (2 of 4 stars). 5 submissions from 5 submitters: Pathogenic (3). 2 of the submissions do not count toward it. Last evaluated 2023-10-11.

Conditions:
Arrhythmogenic right ventricular dysplasia 12. Also called: ARRHYTHMOGENIC RIGHT VENTRICULAR DYSPLASIA, FAMILIAL, 12. Identifiers: MedGen C1969081, MONDO:0012684, OMIM 611528.
Naxos disease (NXD). Also called: CARDIOMYOPATHY, ARRHYTHMOGENIC RIGHT VENTRICULAR, WITH SKIN, HAIR, AND NAIL ABNORMALITIES; WOOLLY HAIR, PALMOPLANTAR KERATODERMA, AND CARDIAC ABNORMALITIES; KERATOSIS PALMOPLANTARIS WITH ARRHYTHMOGENIC CARDIOMYOPATHY; MAL DE NAXOS; PALMOPLANTAR KERATODERMA WITH ARRHYTHMOGENIC RIGHT VENTRICULAR CARDIOMYOPATHY AND WOOLLY HAIR. Identifiers: Orphanet 34217, MedGen C1832600, MONDO:0011017, OMIM 601214.

Allele frequency attached by ClinVar (database versions not stated): gnomAD exomes below 0.00001.

Submissions (5):

Labcorp Genetics (formerly Invitae), Labcorp
Classification: Pathogenic for Arrhythmogenic right ventricular dysplasia 12; Naxos disease. Last evaluated: 2023-10-11. Review status: criteria provided, single submitter. Criteria: Invitae Variant Classification Sherloc (09022015). Collection method: clinical testing. Allele origin: germline.
Comment: This sequence change creates a premature translational stop signal (p.Trp680Glyfs*11) in the JUP gene. While this is not anticipated to result in nonsense mediated decay, it is expected to disrupt the last 66 amino acid(s) of the JUP protein. This variant is not present in population databases (gnomAD no frequency). This premature translational stop signal has been observed in individual(s) with autosomal recessive Naxos disease (PMID: 10902626). It has also been observed to segregate with disease in related individuals. This variant is also known as 2157del2 or c.2157delTG-G680fsX690. ClinVar contains an entry for this variant (Variation ID: 13599). This variant disrupts a region of the JUP protein in which other variant(s) (p.Pro736Leu) have been observed in individuals with JUP-related conditions (Invitae). This suggests that this is a clinically significant region of the protein, and that variants that disrupt it are likely to be disease-causing. For these reasons, this variant has been classified as Pathogenic.

Revvity Omics, Revvity
Classification: Pathogenic. Last evaluated: 2019-10-08. Review status: criteria provided, single submitter. Criteria: ACMG Guidelines, 2015. Collection method: clinical testing. Allele origin: germline.

GeneDx
Classification: Pathogenic. Last evaluated: 2015-04-08. Review status: criteria provided, single submitter. Criteria: GeneDx Variant Classification (06012015). Collection method: clinical testing. Allele origin: germline. Affected: yes.
Comment: The c.2038_2039delTG variant is expected to result in either an abnormal, truncated proteinproduct or loss of protein from this allele through nonsense-mediated mRNA decay. The c.2038_2039delTGvariant has been reported previously in multiple individuals with Naxos disease, an autosomal recessivedisorder identified in Naxos, Greece, and characterized by ARVC, palmoplantar keratoderma, and woolly hair(McKoy G et al., 2000; Antoniades L et al.., 2006; Lazaros G et al., 2009). These studies show that allindividuals who are homozygous for the c.2038_2039delTG (reported as 2157del2 due to alternatenomenclature) are affected with Naxos disease and all individuals who are heterozygous are unaffected(McKoy et al., 2000; Antoniades et al., 2006). In summary, c.2038_2039delTG in the JUP gene is interpreted as a pathogenic variant.

OMIM
Classification: Pathogenic for NAXOS DISEASE. Last evaluated: 2000-06-17. Review status: no assertion criteria provided. Collection method: literature only. Allele origin: germline. Not counted in ClinVar's aggregate classification.

GeneReviews
No classification provided. Condition: Arrhythmogenic right ventricular dysplasia 12. Review status: no classification provided. Collection method: literature only. Allele origin: germline. Not counted in ClinVar's aggregate classification.

Literature cited by the submitters: PubMed 10902626 (cited by Labcorp Genetics (formerly Invitae), Labcorp and OMIM); NCBI Bookshelf NBK1131 (cited by GeneReviews).

NM_002230.4(JUP):c.2038_2039del (p.Trp680fs)

Gene: JUP (junction plakoglobin; minus strand). Cytogenetic location: 17q21.2.
Variant type: Deletion.
Coding change: c.2038_2039del on transcript NM_002230.4 (MANE Select); coding-DNA positions 2038 to 2039, 2 bases deleted (TG; older notation c.2038_2039delTG).
Protein change: p.Trp680fs; shifts the reading frame from tryptophan 680.
Molecular consequence: frameshift variant.
Genome position (GRCh38, 1-based): chr17:41,757,422-41,757,423, CA deleted on the plus strand (TG on the coding strand, the reverse complement: JUP is on the minus strand). VCF-style (leftmost placement, unchanged base first): chr17-41757421-CCA-C. GRCh37 (hg19) VCF-style: chr17-39913673-CCA-C.
Other names: PK2157del2; c.2038_2039del, p.Trp680fs (NM_001352773.2, NM_001352774.2, NM_001352775.2 and 3 more transcripts); short protein forms W680fs.
Identifiers: ClinVar variation 13599 (VCV000013599.12), dbSNP rs113994177, ClinGen allele CA341293.